The following is an entry in ClinVar:

ClinVar aggregate classification (germline): Benign/Likely benign. Review status: criteria provided, multiple submitters, no conflicts (2 of 4 stars). 4 submissions from 4 submitters: Benign (1); Likely benign (3). Last evaluated 2025-02-20.

Conditions:
Hereditary cancer-predisposing syndrome. Also called: Neoplastic Syndromes, Hereditary; Tumor predisposition; Hereditary Cancer Syndrome; Hereditary neoplastic syndrome. Identifiers: Orphanet 140162, MedGen C0027672, MeSH D009386, MONDO:0015356.
Breast-ovarian cancer, familial, susceptibility to, 4. Identifiers: Orphanet 145, MedGen C3280345, MONDO:0013669, OMIM 614291.

Allele frequency attached by ClinVar (database versions not stated): TOPMed below 0.00001.

Submissions (4):

Myriad Genetics, Inc.
Classification: Benign for Breast-ovarian cancer, familial, susceptibility to, 4. Last evaluated: 2025-02-20. Review status: criteria provided, single submitter. Criteria: Myriad Autosomal Dominant, Autosomal Recessive and X-Linked Classification Criteria (2023). Collection method: clinical testing. Allele origin: unknown.
Comment: This variant is considered benign. This variant is a silent/synonymous amino acid change and it is not expected to impact splicing.

Labcorp Genetics (formerly Invitae), Labcorp
Classification: Likely benign for Breast-ovarian cancer, familial, susceptibility to, 4. Last evaluated: 2023-11-29. Review status: criteria provided, single submitter. Criteria: Invitae Variant Classification Sherloc (09022015). Collection method: clinical testing. Allele origin: germline.

Ambry Genetics
Classification: Likely benign for Hereditary cancer-predisposing syndrome. Last evaluated: 2019-09-19. Review status: criteria provided, single submitter. Criteria: Ambry Variant Classification Scheme 2023. Collection method: clinical testing. Allele origin: germline.

Color Diagnostics, LLC DBA Color Health
Classification: Likely benign for Hereditary cancer-predisposing syndrome. Last evaluated: 2019-08-02. Review status: criteria provided, single submitter. Criteria: ACMG Guidelines, 2015. Collection method: clinical testing. Allele origin: germline.

NM_002878.4(RAD51D):c.213C>G (p.Leu71=)

Genes: RAD51L3-RFFL (RAD51L3-RFFL readthrough; minus strand), RAD51D (RAD51 paralog D; minus strand). Cytogenetic location: 17q12.
Variant type: single nucleotide variant.
Coding change: c.213C>G on transcript NM_002878.4 (MANE Select); coding-DNA position 213, C replaced by G.
Protein change: p.Leu71=; no amino-acid change (leucine 71 retained).
Molecular consequence: synonymous variant. On other transcripts: intron variant (2).
Genome position (GRCh38, 1-based): chr17:35,118,551, G>C on the plus strand (C>G on the coding strand, the complement: RAD51D is on the minus strand). VCF-style: chr17-35118551-G-C. GRCh37 (hg19) VCF-style: chr17-33445570-G-C.
Other names: c.144+560C>G (NM_133629.3, NM_001142571.2).
Identifiers: ClinVar variation 820790 (VCV000820790.10), dbSNP rs745546403, ClinGen allele CA915949991.